The following is an entry in ClinVar:

NM_001267550.2(TTN):c.30309T>C (p.Phe10103=)

Gene: TTN (titin; minus strand). Cytogenetic location: 2q31.2.
Variant type: single nucleotide variant.
Coding change: c.30309T>C on transcript NM_001267550.2 (MANE Select); coding-DNA position 30309, T replaced by C.
Protein change: p.Phe10103=; no amino-acid change (phenylalanine 10103 retained).
Molecular consequence: synonymous variant. On other transcripts: intron variant (3).
Genome position (GRCh38, 1-based): chr2:178,702,578, A>G on the plus strand (T>C on the coding strand, the complement: TTN is on the minus strand). VCF-style: chr2-178702578-A-G. GRCh37 (hg19) VCF-style: chr2-179567305-A-G.
Other names: c.29358T>C, p.Phe9786= (NM_001256850.1); c.26577T>C, p.Phe8859= (NM_133378.4); c.13282+35504T>C (NM_003319.4); c.13858+35504T>C (NM_133437.4); c.13657+35504T>C (NM_133432.3).
Identifiers: ClinVar variation 282500 (VCV000282500.62), dbSNP rs762141482, ClinGen allele CA1999193.
Genomic context (GRCh38, chr2:178,702,578, plus strand): 5'-GTATTTCTGGCTCTCTGTCAGTTCTGTTGGTCCTTTGTACCATGTTACAATGGCATCATC[A>G]AAGGACACTTCACACTCAAAGGTGGCAGACTGATGCTCACTCACCACGATGTTCTGTATG-3'
Protein context (NP_001254479.2, residues 10093-10113): QSATFECEVS[Phe10103=]DDAIVTWYKG

ClinVar aggregate classification (germline): Conflicting classifications of pathogenicity. Review status: criteria provided, conflicting classifications (1 of 4 stars). 9 submissions from 9 submitters: Uncertain significance (1); Benign (1); Likely benign (7). Last evaluated 2026-03-19.

Conditions:
TTN-related disorder. Also called: TTN-related disorders; TTN-related condition; TTN-related disease.
Autosomal recessive limb-girdle muscular dystrophy type 2J (LGMDR10). Also called: Limb-girdle muscular dystrophy, type 2J; MUSCULAR DYSTROPHY, LIMB-GIRDLE, AUTOSOMAL RECESSIVE 10. Identifiers: Orphanet 140922, MedGen C1837342, MONDO:0012127, OMIM 608807.
Dilated cardiomyopathy 1G (CMD1G). Identifiers: Orphanet 154, MedGen C1858763, MONDO:0011400, OMIM 604145.
Cardiomyopathy (CMYO). Also called: Cardiomyopathies. Identifiers: Orphanet 167848, MedGen C0878544, MONDO:0004994, HP:0001638. Inheritance: Various modes of inheritance.

Allele frequency attached by ClinVar (database versions not stated): TOPMed 0.00007; gnomAD 0.00008 and 0.00009; gnomAD exomes 0.00018; ExAC 0.00024.
gnomAD v4.1: 230 of 1,613,844 alleles (0.014%); highest among the groups gnomAD compares: Non-Finnish European, 0.018%; no homozygotes.

Submissions (9):

PreventionGenetics, part of Exact Sciences
Classification: Likely benign for TTN-related condition. Last evaluated: 2026-03-19. Review status: criteria provided, single submitter. Criteria: ACMG Guidelines, 2015. Collection method: clinical testing. Allele origin: germline.
Comment: This variant is classified as likely benign based on ACMG/AMP sequence variant interpretation guidelines (Richards et al. 2015 PMID: 25741868, with internal and published modifications).

Women's Health and Genetics/Laboratory Corporation of America, LabCorp
Classification: Likely benign. Last evaluated: 2026-03-02. Review status: criteria provided, single submitter. Criteria: LabCorp Variant Classification Summary - May 2015. Collection method: clinical testing. Allele origin: germline.

CeGaT Center for Human Genetics Tuebingen
Classification: Likely benign. Last evaluated: 2026-02-01. Review status: criteria provided, single submitter. Criteria: CeGaT Center For Human Genetics Tuebingen Variant Classification Criteria Version 2. Collection method: clinical testing. Allele origin: germline. Affected: yes. Observed: 5 variant alleles.
Comment: TTN: BP4, BP7

Labcorp Genetics (formerly Invitae), Labcorp
Classification: Likely benign for Dilated cardiomyopathy 1G; Autosomal recessive limb-girdle muscular dystrophy type 2J. Last evaluated: 2026-01-27. Review status: criteria provided, single submitter. Criteria: Invitae Variant Classification Sherloc (09022015). Collection method: clinical testing. Allele origin: germline.

Molecular Diagnostic Laboratory for Inherited Cardiovascular Disease, Montreal Heart Institute
Classification: Likely benign. Last evaluated: 2025-04-09. Review status: criteria provided, single submitter. Criteria: ACMG Guidelines, 2015. Collection method: clinical testing. Allele origin: germline. Affected: no.

Blueprint Genetics
Classification: Likely benign. Last evaluated: 2024-08-07. Review status: criteria provided, single submitter. Criteria: ACMG Guidelines, 2015. Collection method: clinical testing. Allele origin: germline.

CHEO Genetics Diagnostic Laboratory, Children's Hospital of Eastern Ontario
Classification: Likely benign for Cardiomyopathy. Last evaluated: 2022-12-29. Review status: criteria provided, single submitter. Criteria: ACMG Guidelines, 2015. Collection method: clinical testing. Allele origin: germline.

GeneDx
Classification: Benign. Last evaluated: 2015-08-21. Review status: criteria provided, single submitter. Criteria: GeneDx Variant Classification (06012015). Collection method: clinical testing. Allele origin: germline. Affected: yes.
Comment: This variant is considered likely benign or benign based on one or more of the following criteria: it is a conservative change, it occurs at a poorly conserved position in the protein, it is predicted to be benign by multiple in silico algorithms, and/or has population frequency not consistent with disease.

Eurofins Ntd Llc (ga)
Classification: Uncertain significance. Last evaluated: 2015-08-13. Review status: criteria provided, single submitter. Criteria: EGL Classification Definitions 2015. Collection method: clinical testing. Allele origin: germline. Observed: 3 variant alleles, 3 heterozygotes.